The following is an entry in ClinVar:

ClinVar aggregate classification (germline): Conflicting classifications of pathogenicity. Review status: criteria provided, conflicting classifications (1 of 4 stars). 5 submissions from 1 submitter: Uncertain significance (1); Benign (4). Last evaluated 2018-01-12.

Conditions:
Congenital myasthenic syndrome 16. Identifiers: Orphanet 590, MedGen C3280112, MONDO:0013620, OMIM 614198.
Paramyotonia congenita of Von Eulenburg. Also called: Paramyotonia Congenita; PARALYSIS PERIODICA PARAMYOTONICA; Eulenburg disease; Myotonia congenita intermittens; Von Eulenburg paramyotonia congenita. Identifiers: Orphanet 684, MedGen C0221055, MONDO:0008195, OMIM 168300. Disease mechanism: loss of function.
Hypokalemic periodic paralysis, type 2 (HOKPP2). Identifiers: Orphanet 681, MedGen C2750061, MONDO:0013234, OMIM 613345.
Potassium-aggravated myotonia. Also called: Myotonia congenita, atypical, acetazolamide-responsive; MYOTONIA CONGENITA, ACETAZOLAMIDE-RESPONSIVE; MYOTONIA CONGENITA, ATYPICAL; SODIUM CHANNEL MUSCLE DISEASE. Identifiers: Orphanet 612, Orphanet 99734, Orphanet 99735, Orphanet 99736, MedGen C2931826, MONDO:0018959, OMIM 608390.
Hyperkalemic periodic paralysis. Also called: Familial hyperkalemic periodic paralysis; Gamstorp disease. Identifiers: Orphanet 682, MedGen C0238357, MONDO:0008224, OMIM 170500, HP:0007215.

Allele frequency attached by ClinVar (database versions not stated): 1000 Genomes Project 30x 0.00094; gnomAD 0.00105; 1000 Genomes Project 0.00040; TOPMed 0.00096.

Submissions (5):

Illumina Laboratory Services, Illumina
Classification: Benign for Paramyotonia congenita of Von Eulenburg. Last evaluated: 2018-01-12. Review status: criteria provided, single submitter. Criteria: ICSL Variant Classification Criteria 13 December 2019. Collection method: clinical testing. Allele origin: germline.
Comment: This variant was observed in the ICSL laboratory as part of a predisposition screen in an ostensibly healthy population. It had not been previously curated by ICSL or reported in the Human Gene Mutation Database (HGMD: prior to June 1st, 2018), and was therefore a candidate for classification through an automated scoring system. Utilizing variant allele frequency, disease prevalence and penetrance estimates, and inheritance mode, an automated score was calculated to assess if this variant is too frequent to cause the disease. Based on the score and internal cut-off values, a variant classified as benign is not then subjected to further curation. The score for this variant resulted in a classification of benign for this disease.

Illumina Laboratory Services, Illumina
Classification: Benign for Hypokalemic periodic paralysis, type 2. Last evaluated: 2018-01-12. Review status: criteria provided, single submitter. Criteria: ICSL Variant Classification Criteria 13 December 2019. Collection method: clinical testing. Allele origin: germline.
Comment: the same text as in the submission from Illumina Laboratory Services, Illumina above.

Illumina Laboratory Services, Illumina
Classification: Uncertain significance for Congenital myasthenic syndrome 16. Last evaluated: 2018-01-12. Review status: criteria provided, single submitter. Criteria: ICSL Variant Classification Criteria 13 December 2019. Collection method: clinical testing. Allele origin: germline.

Illumina Laboratory Services, Illumina
Classification: Benign for Hyperkalemic periodic paralysis. Last evaluated: 2018-01-12. Review status: criteria provided, single submitter. Criteria: ICSL Variant Classification Criteria 13 December 2019. Collection method: clinical testing. Allele origin: germline.
Comment: the same text as in the submission from Illumina Laboratory Services, Illumina above.

Illumina Laboratory Services, Illumina
Classification: Benign for Potassium-aggravated myotonia. Last evaluated: 2018-01-12. Review status: criteria provided, single submitter. Criteria: ICSL Variant Classification Criteria 13 December 2019. Collection method: clinical testing. Allele origin: germline.
Comment: the same text as in the submission from Illumina Laboratory Services, Illumina above.

NM_000334.4(SCN4A):c.*2150C>A

Genes: GH-LCR (growth hormone locus control region; plus strand), SCN4A (sodium voltage-gated channel alpha subunit 4; minus strand). Cytogenetic location: 17q23.3.
Variant type: single nucleotide variant.
Coding change: c.*2150C>A on transcript NM_000334.4 (MANE Select); 2150 bases downstream of the stop codon, C replaced by A.
Molecular consequence: 3 prime UTR variant.
Genome position (GRCh38, 1-based): chr17:63,938,621, G>T on the plus strand (C>A on the coding strand, the complement: SCN4A is on the minus strand). VCF-style: chr17-63938621-G-T. GRCh37 (hg19) VCF-style: chr17-62015981-G-T.
Identifiers: ClinVar variation 324465 (VCV000324465.5), dbSNP rs182791237, ClinGen allele CA10640187.